The following is an entry in ClinVar:

NM_021975.4(RELA):c.1244C>T (p.Pro415Leu)

Gene: RELA (RELA proto-oncogene, NF-kB subunit; minus strand). Cytogenetic location: 11q13.1.
Variant type: single nucleotide variant.
Coding change: c.1244C>T on transcript NM_021975.4 (MANE Select); coding-DNA position 1244, C replaced by T.
Protein change: p.Pro415Leu; replaces proline 415 with leucine.
Molecular consequence: missense variant. On other transcripts: intron variant (1).
Genome position (GRCh38, 1-based): chr11:65,654,790, G>A on the plus strand (C>T on the coding strand, the complement: RELA is on the minus strand). VCF-style: chr11-65654790-G-A. GRCh37 (hg19) VCF-style: chr11-65422261-G-A.
Other names: c.1244C>T (NM_021975.3); c.1235C>T, p.Pro412Leu (NM_001145138.2); c.1037C>T, p.Pro346Leu (NM_001243984.2); c.1215+29C>T (NM_001243985.2); short protein forms P412L, P346L, P415L.
Identifiers: ClinVar variation 1511654 (VCV001511654.9), dbSNP rs1451237617, ClinGen allele CA381387611.

ClinVar aggregate classification (germline): Uncertain significance. Review status: criteria provided, multiple submitters, no conflicts (2 of 4 stars). 2 submissions from 2 submitters: Uncertain significance (2). Last evaluated 2025-11-04.

Allele frequency attached by ClinVar (database versions not stated): gnomAD 0.00001; gnomAD exomes 0.00001 and 0.00003; TOPMed 0.00001.

Submissions (2):

Labcorp Genetics (formerly Invitae), Labcorp
Classification: Uncertain significance. Last evaluated: 2025-11-04. Review status: criteria provided, single submitter. Criteria: Invitae Variant Classification Sherloc (09022015). Collection method: clinical testing. Allele origin: germline.
Comment: This sequence change replaces proline, which is neutral and non-polar, with leucine, which is neutral and non-polar, at codon 415 of the RELA protein (p.Pro415Leu). This variant is present in population databases (no rsID available, gnomAD 0.002%). This variant has not been reported in the literature in individuals affected with RELA-related conditions. ClinVar contains an entry for this variant (Variation ID: 1511654). An algorithm developed to predict the effect of missense changes on protein structure and function (PolyPhen-2) suggests that this variant is likely to be tolerated. In summary, the available evidence is currently insufficient to determine the role of this variant in disease. Therefore, it has been classified as a Variant of Uncertain Significance.

Ambry Genetics
Classification: Uncertain significance. Last evaluated: 2025-09-25. Review status: criteria provided, single submitter. Criteria: Ambry Variant Classification Scheme 2023. Collection method: clinical testing. Allele origin: germline.